The following is an entry in ClinVar:

NM_001291303.3(FAT4):c.5261del (p.Gly1754fs)

Gene: FAT4 (FAT atypical cadherin 4; plus strand). Cytogenetic location: 4q28.1.
Variant type: Deletion.
Coding change: c.5261del on transcript NM_001291303.3 (MANE Select); coding-DNA position 5261, one base deleted (G; older notation c.5261delG).
Protein change: p.Gly1754fs; shifts the reading frame from glycine 1754.
Molecular consequence: frameshift variant.
Genome position (GRCh38, 1-based): chr4:125,398,869, G deleted; the last of 2 consecutive G bases (chr4:125,398,868-125,398,869); deleting either gives the same sequence. VCF-style (leftmost placement, unchanged base first): chr4-125398867-TG-T. GRCh37 (hg19) VCF-style: chr4-126320022-TG-T.
Other names: c.5261del, p.Gly1754fs (NM_001291285.3, NM_024582.6); short protein forms G1754fs.
Identifiers: ClinVar variation 2768836 (VCV002768836.3), dbSNP rs2530719238, ClinGen allele CA2697546919.

ClinVar aggregate classification (germline): Pathogenic (1 of 4 stars; one submission).

Submission:

Labcorp Genetics (formerly Invitae), Labcorp
Classification: Pathogenic. Last evaluated: 2024-01-08. Review status: criteria provided, single submitter. Criteria: Invitae Variant Classification Sherloc (09022015). Collection method: clinical testing. Allele origin: germline.
Comment: This sequence change creates a premature translational stop signal (p.Gly1754Glufs*9) in the FAT4 gene. It is expected to result in an absent or disrupted protein product. Loss-of-function variants in FAT4 are known to be pathogenic (PMID: 24056717, 24913602). This variant is not present in population databases (gnomAD no frequency). This variant has not been reported in the literature in individuals affected with FAT4-related conditions. For these reasons, this variant has been classified as Pathogenic.

Literature cited by the submitters: PubMed 24056717; PubMed 24913602.